The following is an entry in ClinVar:

NM_000038.6(APC):c.4861C>G (p.Gln1621Glu)

Gene: APC (APC regulator of Wnt signaling pathway; plus strand). Cytogenetic location: 5q22.2.
Variant type: single nucleotide variant.
Coding change: c.4861C>G on transcript NM_000038.6 (MANE Select); coding-DNA position 4861, C replaced by G.
Protein change: p.Gln1621Glu; replaces glutamine 1621 with glutamic acid.
Molecular consequence: missense variant.
Genome position (GRCh38, 1-based): chr5:112,840,455, C>G. VCF-style: chr5-112840455-C-G. GRCh37 (hg19) VCF-style: chr5-112176152-C-G.
Other names: c.4891C>G, p.Gln1631Glu (NM_001354897.2); c.4786C>G, p.Gln1596Glu (NM_001354898.2); c.4777C>G, p.Gln1593Glu (NM_001354899.2); c.4738C>G, p.Gln1580Glu (NM_001354900.2); c.4684C>G, p.Gln1562Glu (NM_001354901.2, NM_001407453.1); c.4588C>G, p.Gln1530Glu (NM_001354902.2); c.4558C>G, p.Gln1520Glu (NM_001354903.2, NM_001407458.1, NM_001407459.1 and 1 more transcripts); c.4483C>G, p.Gln1495Glu (NM_001354904.2); and 11 more; short protein forms Q1237E, Q1495E, Q1593E, Q1596E, Q1603E, Q1614E, Q1621E, Q1631E.
Identifiers: ClinVar variation 1743650 (VCV001743650.6), dbSNP rs762533972, ClinGen allele CA16031978.

ClinVar aggregate classification (germline): Uncertain significance. Review status: criteria provided, multiple submitters, no conflicts (2 of 4 stars). 2 submissions from 2 submitters: Uncertain significance (2). Last evaluated 2025-08-14.

Conditions:
Hereditary cancer-predisposing syndrome. Also called: Hereditary Cancer Syndrome; Neoplastic Syndromes, Hereditary; Tumor predisposition; Hereditary neoplastic syndrome. Identifiers: Orphanet 140162, MedGen C0027672, MeSH D009386, MONDO:0015356.
Familial adenomatous polyposis 1 (FAP1). Also called: FAMILIAL ADENOMATOUS POLYPOSIS 1, ATTENUATED; POLYPOSIS, ADENOMATOUS INTESTINAL. Identifiers: MedGen C2713442, MONDO:0021056, OMIM 175100. Disease mechanism: loss of function.

Allele frequency attached by ClinVar (database versions not stated): gnomAD exomes 0.00001.
gnomAD v4.1: 17 of 1,614,218 alleles (0.0011%); highest among the groups gnomAD compares: Non-Finnish European, 0.0014%; no homozygotes.

Submissions (2):

Labcorp Genetics (formerly Invitae), Labcorp
Classification: Uncertain significance for Familial adenomatous polyposis 1. Last evaluated: 2025-08-14. Review status: criteria provided, single submitter. Criteria: Invitae Variant Classification Sherloc (09022015). Collection method: clinical testing. Allele origin: germline.
Comment: This sequence change replaces glutamine, which is neutral and polar, with glutamic acid, which is acidic and polar, at codon 1621 of the APC protein (p.Gln1621Glu). This variant is not present in population databases (gnomAD no frequency). This variant has not been reported in the literature in individuals affected with APC-related conditions. ClinVar contains an entry for this variant (Variation ID: 1743650). Invitae Evidence Modeling of protein sequence and biophysical properties (such as structural, functional, and spatial information, amino acid conservation, physicochemical variation, residue mobility, and thermodynamic stability) indicates that this missense variant is not expected to disrupt APC protein function with a negative predictive value of 95%. In summary, the available evidence is currently insufficient to determine the role of this variant in disease. Therefore, it has been classified as a Variant of Uncertain Significance.

Ambry Genetics
Classification: Uncertain significance for Hereditary cancer-predisposing syndrome. Last evaluated: 2024-06-28. Review status: criteria provided, single submitter. Criteria: Ambry Variant Classification Scheme 2023. Collection method: clinical testing. Allele origin: germline.
Comment: The p.Q1621E variant (also known as c.4861C>G), located in coding exon 15 of the APC gene, results from a C to G substitution at nucleotide position 4861. The glutamine at codon 1621 is replaced by glutamic acid, an amino acid with highly similar properties. Missense alterations in APC are not a common cause of disease (Spier I et al. Genet Med. 2024 Feb;26(2):100992). This amino acid position is highly conserved in available vertebrate species. In addition, in silico predictors for this gene do not accurately predict pathogenicity. Based on the available evidence, the clinical significance of this variant remains unclear.